The following is an entry in ClinVar:

NM_001701.4(BAAT):c.466+5G>A

Gene: BAAT (bile acid-CoA:amino acid N-acyltransferase; minus strand). Cytogenetic location: 9q31.1.
Variant type: single nucleotide variant.
Coding change: c.466+5G>A on transcript NM_001701.4 (MANE Select); 5 bases into the intron after coding-DNA position 466, G replaced by A.
Molecular consequence: intron variant.
Genome position (GRCh38, 1-based): chr9:101,370,934, C>T on the plus strand (G>A on the coding strand, the complement: BAAT is on the minus strand). VCF-style: chr9-101370934-C-T. GRCh37 (hg19) VCF-style: chr9-104133216-C-T.
Other names: c.466+5G>A (NM_001374715.1, NM_001127610.2).
Identifiers: ClinVar variation 4983975 (VCV004983975.1).

ClinVar aggregate classification (germline): Likely benign (1 of 4 stars; one submission).

Conditions:
BAAT-related disorder. Also called: BAAT-related condition.

Submission:

PreventionGenetics, part of Exact Sciences
Classification: Likely benign for BAAT-related condition. Last evaluated: 2026-07-20. Review status: criteria provided, single submitter. Criteria: ACMG Guidelines, 2015. Collection method: clinical testing. Allele origin: germline.
Comment: This variant is classified as likely benign based on ACMG/AMP sequence variant interpretation guidelines (Richards et al. 2015 PMID: 25741868, with internal and published modifications).